The following is an entry in ClinVar:

ClinVar aggregate classification (germline): Pathogenic. Review status: criteria provided, single submitter (1 of 4 stars). 2 submissions from 1 submitter: Pathogenic (2). Last evaluated 2017-02-20.

Conditions:
Pulmonary hypertension, primary, 1 (PPH1). Also called: Pulmonary hypertension, familial primary, 1, with or without HHT. Identifiers: Orphanet 422, MedGen C4552070, MONDO:0024533, OMIM 178600.
Primary pulmonary hypertension. Also called: Idiopathic pulmonary hypertension. Identifiers: MedGen C0152171.

Submissions (2):

Labcorp Genetics (formerly Invitae), Labcorp
Classification: Pathogenic for Primary pulmonary hypertension. Last evaluated: 2017-02-20. Review status: criteria provided, single submitter. Criteria: Invitae Variant Classification Sherloc (09022015). Collection method: clinical testing. Allele origin: germline.
Comment: This variant is an out-of-frame deletion of the genomic region encompassing exons 3-5 of the BMPR2 gene. This creates a premature translational stop signal and is expected to result in an absent or disrupted protein product. While this particular variant has not been reported in the literature, loss-of-function variants in BMPR2 are known to be pathogenic (PMID: 16429395). For these reasons, this variant has been classified as Pathogenic.

Labcorp Genetics (formerly Invitae), Labcorp
Classification: Pathogenic for Primary pulmonary hypertension. Last evaluated: 2017-02-13. Review status: criteria provided, single submitter. Criteria: Invitae Variant Classification Sherloc (09022015). Collection method: clinical testing. Allele origin: germline.
Comment: For these reasons, this variant has been classified as Pathogenic. While this particular variant has not been reported in the literature, loss-of-function variants in BMPR2 are known to be pathogenic (PMID: 16429395). This variant is an out-of-frame deletion of the genomic region encompassing exons 3-5 of the BMPR2 gene. This creates a premature translational stop signal and is expected to result in an absent or disrupted protein product.

Literature cited by the submitters: PubMed 16429395.

NC_000002.12:g.(?_202467499)_(202514999_?)del

Gene: BMPR2 (bone morphogenetic protein receptor type 2; plus strand). Cytogenetic location: 2q33.1-33.2.
Variant type: Deletion.
Identifiers: ClinVar variation 458622 (VCV000458622.4).